The following is an entry in ClinVar:

NM_014363.6(SACS):c.328_330delinsAGT (p.Gly110Ser)

Gene: SACS (sacsin molecular chaperone; minus strand). Cytogenetic location: 13q12.12.
Variant type: Indel.
Coding change: c.328_330delinsAGT on transcript NM_014363.6 (MANE Select); coding-DNA positions 328 to 330, GGA replaced by AGT.
Protein change: p.Gly110Ser; replaces glycine 110 with serine.
Molecular consequence: missense variant. On other transcripts: 5 prime UTR variant (1).
Genome position (GRCh38, 1-based): chr13:23,368,417-23,368,419, TCC replaced by ACT on the plus strand (GGA replaced by AGT on the coding strand, the reverse complement: SACS is on the minus strand). VCF-style: chr13-23368417-TCC-ACT. GRCh37 (hg19) VCF-style: chr13-23942556-TCC-ACT.
Other names: c.-114_-112delinsAGT (NM_001278055.2); short protein forms G110S.
Identifiers: ClinVar variation 1806972 (VCV001806972.2), dbSNP rs2542458143, ClinGen allele CA2580086808.

ClinVar aggregate classification (germline): Uncertain significance. Review status: criteria provided, multiple submitters, no conflicts (2 of 4 stars). 2 submissions from 2 submitters: Uncertain significance (2). Last evaluated 2024-02-07.

Submissions (2):

GeneDx
Classification: Uncertain significance. Last evaluated: 2024-02-07. Review status: criteria provided, single submitter. Criteria: GeneDx Variant Classification Process June 2021. Collection method: clinical testing. Allele origin: germline. Affected: yes.
Comment: Not observed at significant frequency in large population cohorts (gnomAD); In silico analysis supports a deleterious effect on protein structure/function; Has not been previously published as pathogenic or benign to our knowledge

Athena Diagnostics
Classification: Uncertain significance. Last evaluated: 2021-11-24. Review status: criteria provided, single submitter. Criteria: Athena Diagnostics Criteria. Collection method: clinical testing. Allele origin: unknown.